The following is an entry in ClinVar:

ClinVar aggregate classification (germline): Uncertain significance (1 of 4 stars; one submission).

Allele frequency attached by ClinVar (database versions not stated): gnomAD exomes below 0.00001 and 0.00001; TOPMed 0.00001; ExAC 0.00002.
gnomAD v4.1: 9 of 1,614,014 alleles (0.00056%); highest among the groups gnomAD compares: Non-Finnish European, 0.00068%; no homozygotes.

Submission:

Labcorp Genetics (formerly Invitae), Labcorp
Classification: Uncertain significance. Last evaluated: 2024-02-21. Review status: criteria provided, single submitter. Criteria: Invitae Variant Classification Sherloc (09022015). Collection method: clinical testing. Allele origin: germline.
Comment: This sequence change replaces lysine, which is basic and polar, with arginine, which is basic and polar, at codon 180 of the CTNNB1 protein (p.Lys180Arg). The frequency data for this variant in the population databases is considered unreliable, as metrics indicate poor data quality at this position in the gnomAD database. This variant has not been reported in the literature in individuals affected with CTNNB1-related conditions. ClinVar contains an entry for this variant (Variation ID: 1380771). Advanced modeling of protein sequence and biophysical properties (such as structural, functional, and spatial information, amino acid conservation, physicochemical variation, residue mobility, and thermodynamic stability) performed at Invitae indicates that this missense variant is not expected to disrupt CTNNB1 protein function with a negative predictive value of 80%. Experimental studies have shown that this missense change affects CTNNB1 function (PMID: 26116705). In summary, the available evidence is currently insufficient to determine the role of this variant in disease. Therefore, it has been classified as a Variant of Uncertain Significance.

Literature cited by the submitters: PubMed 26116705.

NM_001904.4(CTNNB1):c.539A>G (p.Lys180Arg)

Genes: CTNNB1 (catenin beta 1; plus strand), LOC126806658 (BRD4-independent group 4 enhancer GRCh37_chr3:41265899-41267098; plus strand). Cytogenetic location: 3p22.1.
Variant type: single nucleotide variant.
Coding change: c.539A>G on transcript NM_001904.4 (MANE Select); coding-DNA position 539, A replaced by G.
Protein change: p.Lys180Arg; replaces lysine 180 with arginine.
Molecular consequence: missense variant.
Genome position (GRCh38, 1-based): chr3:41,225,377, A>G. VCF-style: chr3-41225377-A-G. GRCh37 (hg19) VCF-style: chr3-41266868-A-G.
Other names: c.539A>G, p.Lys180Arg (NM_001098209.2, NM_001098210.2); c.518A>G, p.Lys173Arg (NM_001330729.2); short protein forms K180R, K173R.
Identifiers: ClinVar variation 1380771 (VCV001380771.8), dbSNP rs757629128, ClinGen allele CA2330942.